The following is an entry in ClinVar:

ClinVar aggregate classification (germline): Likely benign. Review status: criteria provided, multiple submitters, no conflicts (2 of 4 stars). 3 submissions from 3 submitters: Likely benign (3). Last evaluated 2025-12-01.

Allele frequency attached by ClinVar (database versions not stated): TOPMed 0.00015; gnomAD 0.00019 and 0.00021; gnomAD exomes 0.00026; ESP Exome Variant Server 0.00038.
gnomAD v4.1: 410 of 1,613,914 alleles (0.025%); highest among the groups gnomAD compares: Non-Finnish European, 0.033%; no homozygotes.

Submissions (3):

Labcorp Genetics (formerly Invitae), Labcorp
Classification: Likely benign. Last evaluated: 2025-12-01. Review status: criteria provided, single submitter. Criteria: Invitae Variant Classification Sherloc (09022015). Collection method: clinical testing. Allele origin: germline.

Blueprint Genetics
Classification: Likely benign. Last evaluated: 2024-10-24. Review status: criteria provided, single submitter. Criteria: ACMG Guidelines, 2015. Collection method: clinical testing. Allele origin: germline.

CeGaT Center for Human Genetics Tuebingen
Classification: Likely benign. Last evaluated: 2024-09-01. Review status: criteria provided, single submitter. Criteria: CeGaT Center For Human Genetics Tuebingen Variant Classification Criteria Version 2. Collection method: clinical testing. Allele origin: germline. Affected: yes. Observed: 2 variant alleles.
Comment: SPECC1L: BS2

NM_015330.6(SPECC1L):c.3310G>A (p.Val1104Met)

Genes: SPECC1L (sperm antigen with calponin homology and coiled-coil domains 1 like; plus strand), SPECC1L-ADORA2A (SPECC1L-ADORA2A readthrough (NMD candidate); plus strand). Cytogenetic location: 22q11.23.
Variant type: single nucleotide variant.
Coding change: c.3310G>A on transcript NM_015330.6 (MANE Select); coding-DNA position 3310, G replaced by A.
Protein change: p.Val1104Met; replaces valine 1104 with methionine.
Molecular consequence: missense variant. On other transcripts: non-coding transcript variant (1).
Genome position (GRCh38, 1-based): chr22:24,414,579, G>A. VCF-style: chr22-24414579-G-A. GRCh37 (hg19) VCF-style: chr22-24810547-G-A.
Other names: c.3310G>A, p.Val1104Met (NM_001145468.4); c.3193G>A, p.Val1065Met (NM_001254732.3); c.508G>A, p.Val170Met (NM_001254733.2); short protein forms V1104M, V170M, V1065M.
Identifiers: ClinVar variation 1420261 (VCV001420261.25), dbSNP rs150590695, ClinGen allele CA10152609.
Genomic context (GRCh38, chr22:24,414,579, plus strand): 5'-TTCCTTGTCTGTCAGGACATTAATGAAATGGTACGGACTGAACGACCCGACTGGCAGAAC[G>A]TGATGCTGTATGTGACGGCGATCTACAAGTACTTTGAGACCTGAGCATGCCGGGAGGAGC-3'
Protein context (NP_056145.5, residues 1094-1114): VRTERPDWQN[Val1104Met]MLYVTAIYKY